The following is an entry in ClinVar:

NM_006506.5(RASA2):c.451-1G>C

Gene: RASA2 (RAS p21 protein activator 2; plus strand). Cytogenetic location: 3q23.
Variant type: single nucleotide variant.
Coding change: c.451-1G>C on transcript NM_006506.5 (MANE Select); the canonical splice acceptor site of the intron before coding-DNA position 451, G replaced by C.
Molecular consequence: splice acceptor variant.
Genome position (GRCh38, 1-based): chr3:141,540,532, G>C. VCF-style: chr3-141540532-G-C. GRCh37 (hg19) VCF-style: chr3-141259374-G-C.
Other names: c.451-1G>C (NM_001303245.3, NM_001303246.3).
Identifiers: ClinVar variation 3769169 (VCV003769169.2).

ClinVar aggregate classification (germline): Uncertain significance (1 of 4 stars; one submission).

Submission:

Women's Health and Genetics/Laboratory Corporation of America, LabCorp
Classification: Uncertain significance. Last evaluated: 2025-01-13. Review status: criteria provided, single submitter. Criteria: LabCorp Variant Classification Summary - May 2015. Collection method: clinical testing. Allele origin: germline.
Comment: Variant summary: RASA2 c.451-1G>C is located in a canonical splice-site and is predicted to affect mRNA splicing resulting in a significantly altered protein due to either exon skipping, shortening, or inclusion of intronic material. Variants that disrupt the consensus splice site are a relatively common cause of aberrant splicing, however current evidence is not sufficient to establish loss of function as a mechanism for disease. Several computational tools predict a significant impact on normal splicing: Four predict the variant abolishes a 3' acceptor site. However, these predictions have yet to be confirmed by functional studies. The variant was absent in 250210 control chromosomes (gnomAD). The available data on variant occurrences in the general population are insufficient to allow any conclusion about variant significance. To our knowledge, no occurrence of c.451-1G>C in individuals affected with Noonan Syndrome and no experimental evidence demonstrating its impact on protein function have been reported. No submitters have cited clinical-significance assessments for this variant to ClinVar. Based on the evidence outlined above, the variant was classified as uncertain significance.